The following is an entry in ClinVar:

ClinVar aggregate classification (germline): Pathogenic (1 of 4 stars; one submission).

Allele frequency attached by ClinVar (database versions not stated): ExAC 0.00001; gnomAD exomes 0.00001; TOPMed 0.00001; gnomAD 0.00003.
gnomAD v4.1: 13 of 1,578,650 alleles (0.00082%); highest among the groups gnomAD compares: African/African-American, 0.0067%; no homozygotes.

Submission:

Labcorp Genetics (formerly Invitae), Labcorp
Classification: Pathogenic. Last evaluated: 2025-12-01. Review status: criteria provided, single submitter. Criteria: Invitae Variant Classification Sherloc (09022015). Collection method: clinical testing. Allele origin: germline.
Comment: This sequence change creates a premature translational stop signal (p.Arg910*) in the ADAMTS13 gene. It is expected to result in an absent or disrupted protein product. Loss-of-function variants in ADAMTS13 are known to be pathogenic (PMID: 11586351, 12753286, 21781265). This variant is present in population databases (rs781844824, gnomAD 0.008%). This premature translational stop signal has been observed in individual(s) with clinical features of thrombotic thrombocytopenic purpura (PMID: 22783805). ClinVar contains an entry for this variant (Variation ID: 2136833). For these reasons, this variant has been classified as Pathogenic.

Literature cited by the submitters: PubMed 11586351; PubMed 12753286; PubMed 21781265; PubMed 22783805.

NM_139027.6(ADAMTS13):c.2728C>T (p.Arg910Ter)

Gene: ADAMTS13 (ADAM metallopeptidase with thrombospondin type 1 motif 13; plus strand). Cytogenetic location: 9q34.2.
Variant type: single nucleotide variant.
Coding change: c.2728C>T on transcript NM_139027.6 (MANE Select); coding-DNA position 2728, C replaced by T.
Protein change: p.Arg910Ter; replaces arginine 910 with a stop codon.
Molecular consequence: nonsense. On other transcripts: non-coding transcript variant (1).
Genome position (GRCh38, 1-based): chr9:133,445,816, C>T. VCF-style: chr9-133445816-C-T. GRCh37 (hg19) VCF-style: chr9-136310937-C-T.
Other names: c.2728C>T, p.Arg910Ter (NM_139025.5); c.2635C>T, p.Arg879Ter (NM_139026.6); short protein forms R910*, R879*.
Identifiers: ClinVar variation 2136833 (VCV002136833.4), dbSNP rs781844824, ClinGen allele CA200936913.